The following is an entry in ClinVar:

ClinVar aggregate classification (germline): Benign/Likely benign. Review status: criteria provided, multiple submitters, no conflicts (2 of 4 stars). 5 submissions from 5 submitters: Benign (3); Likely benign (2). Last evaluated 2026-01-28.

Conditions:
Megalencephalic leukoencephalopathy with subcortical cysts. Also called: VAN DER KNAAP DISEASE. Identifiers: Orphanet 2478, MedGen C1858854, MONDO:0011391.
Megalencephalic leukoencephalopathy with subcortical cysts 2A. Identifiers: Orphanet 2478, MedGen C3151355, MONDO:0013490, OMIM 613925.
Megalencephalic leukoencephalopathy with subcortical cysts 2B, remitting, with or without impaired intellectual development. Also called: Megalencephalic leukoencephalopathy with subcortical cysts 2B, remitting, with or without intellectual disability. Identifiers: Orphanet 2478, MedGen C3151356, MONDO:0013491, OMIM 613926.
Megalencephalic leukoencephalopathy with subcortical cysts 1 (MLC1). Also called: LEUKOENCEPHALOPATHY WITH SWELLING AND CYSTS; VACUOLATING MEGALENCEPHALIC LEUKOENCEPHALOPATHY WITH SUBCORTICAL CYSTS. Identifiers: Orphanet 2478, MedGen C5779875, MONDO:0024555, OMIM 604004.

Allele frequency attached by ClinVar (database versions not stated): gnomAD 0.00620 and 0.00669; ExAC 0.00191; ESP Exome Variant Server 0.00800; 1000 Genomes Project 0.00359; TOPMed 0.00688; 1000 Genomes Project 30x 0.00390.
gnomAD v4.1: 1,803 of 1,614,216 alleles (0.11%); highest among the groups gnomAD compares: African/African-American, 2.2%; 21 homozygotes.

Submissions (5):

Labcorp Genetics (formerly Invitae), Labcorp
Classification: Benign. Last evaluated: 2026-01-28. Review status: criteria provided, single submitter. Criteria: Invitae Variant Classification Sherloc (09022015). Collection method: clinical testing. Allele origin: germline.

Mayo Clinic Laboratories, Mayo Clinic
Classification: Benign. Last evaluated: 2025-01-06. Review status: criteria provided, single submitter. Criteria: ACMG Guidelines, 2015. Collection method: clinical testing. Allele origin: germline. Observed: 1 variant allele.
Comment: BS1, BS2, BP4, BP7

Fulgent Genetics
Classification: Likely benign for Megalencephalic leukoencephalopathy with subcortical cysts 1; Megalencephalic leukoencephalopathy with subcortical cysts 2A; Megalencephalic leukoencephalopathy with subcortical cysts 2B, remitting, with or without impaired intellectual development. Last evaluated: 2022-01-15. Review status: criteria provided, single submitter. Criteria: ACMG Guidelines, 2015. Collection method: clinical testing. Allele origin: unknown.

GeneDx
Classification: Likely benign. Last evaluated: 2021-11-11. Review status: criteria provided, single submitter. Criteria: GeneDx Variant Classification Process June 2021. Collection method: clinical testing. Allele origin: germline. Affected: yes.

Illumina Laboratory Services, Illumina
Classification: Benign for Megalencephalic leukoencephalopathy with subcortical cysts. Last evaluated: 2018-01-13. Review status: criteria provided, single submitter. Criteria: ICSL Variant Classification Criteria 13 December 2019. Collection method: clinical testing. Allele origin: germline.
Comment: This variant was observed in the ICSL laboratory as part of a predisposition screen in an ostensibly healthy population. It had not been previously curated by ICSL or reported in the Human Gene Mutation Database (HGMD: prior to June 1st, 2018), and was therefore a candidate for classification through an automated scoring system. Utilizing variant allele frequency, disease prevalence and penetrance estimates, and inheritance mode, an automated score was calculated to assess if this variant is too frequent to cause the disease. Based on the score and internal cut-off values, a variant classified as benign is not then subjected to further curation. The score for this variant resulted in a classification of benign for this disease.

NM_152722.5(HEPACAM):c.258G>A (p.Glu86=)

Gene: HEPACAM (hepatic and glial cell adhesion molecule; minus strand). Cytogenetic location: 11q24.2.
Variant type: single nucleotide variant.
Coding change: c.258G>A on transcript NM_152722.5 (MANE Select); coding-DNA position 258, G replaced by A.
Protein change: p.Glu86=; no amino-acid change (glutamic acid 86 retained).
Molecular consequence: synonymous variant.
Genome position (GRCh38, 1-based): chr11:124,924,897, C>T on the plus strand (G>A on the coding strand, the complement: HEPACAM is on the minus strand). VCF-style: chr11-124924897-C-T. GRCh37 (hg19) VCF-style: chr11-124794793-C-T.
Other names: p.Glu86=.
Identifiers: ClinVar variation 303335 (VCV000303335.19), dbSNP rs35466065, ClinGen allele CA6345781.
Genomic context (GRCh38, chr11:124,924,897, plus strand): 5'-GGAGCCATTTTCAAAGAGTCGGATACGGTCTCGATAGTCAGGCCGCAGGGTGCCGATGAC[C>T]TCTGTGCCAATGGACTGCACCACGGTCACTGGCTTGTCCCGCTTCAGCTGCCACTTCACT-3'
Protein context (NP_689935.2, residues 76-96): PVTVVQSIGT[Glu86=]VIGTLRPDYR